The following is an entry in ClinVar:

ClinVar aggregate classification (germline): Benign. Review status: criteria provided, multiple submitters, no conflicts (2 of 4 stars). 3 submissions from 3 submitters: Benign (2). 1 of the submissions does not count toward it. Last evaluated 2018-09-11.

Conditions:
MEI1-related disorder. Also called: MEI1-related condition.

Allele frequency attached by ClinVar (database versions not stated): gnomAD exomes 0.00207 and 0.00473; ExAC 0.00634; gnomAD 0.01731 and 0.01816; ESP Exome Variant Server 0.01866; TOPMed 0.01959; 1000 Genomes Project 0.01997; 1000 Genomes Project 30x 0.02186.
gnomAD v4.1: 5,901 of 1,613,130 alleles (0.37%); highest among the groups gnomAD compares: African/African-American, 6.1%; 163 homozygotes.

Submissions (3):

Labcorp Genetics (formerly Invitae), Labcorp
Classification: Benign. Last evaluated: 2018-09-11. Review status: criteria provided, single submitter. Criteria: Invitae Variant Classification Sherloc (09022015). Collection method: clinical testing. Allele origin: germline.

Breakthrough Genomics
Classification: Benign. Review status: criteria provided, single submitter. Criteria: ACMG Guidelines, 2015. Collection method: not provided. Allele origin: germline. Inheritance: Autosomal recessive inheritance. Affected: yes.

PreventionGenetics, part of Exact Sciences
Classification: Benign for MEI1-related condition. Last evaluated: 2019-02-28. Review status: no assertion criteria provided. Collection method: clinical testing. Allele origin: germline. Not counted in ClinVar's aggregate classification.
Comment: This variant is classified as benign based on ACMG/AMP sequence variant interpretation guidelines (Richards et al. 2015 PMID: 25741868, with internal and published modifications).

NM_152513.4(MEI1):c.1191G>C (p.Leu397=)

Gene: MEI1 (meiotic double-stranded break formation protein 1; plus strand). Cytogenetic location: 22q13.2.
Variant type: single nucleotide variant.
Coding change: c.1191G>C on transcript NM_152513.4 (MANE Select); coding-DNA position 1191, G replaced by C.
Protein change: p.Leu397=; no amino-acid change (leucine 397 retained).
Molecular consequence: synonymous variant.
Genome position (GRCh38, 1-based): chr22:41,732,339, G>C. VCF-style: chr22-41732339-G-C. GRCh37 (hg19) VCF-style: chr22-42128343-G-C.
Identifiers: ClinVar variation 778953 (VCV000778953.6), dbSNP rs61735670, ClinGen allele CA10260094.
Genomic context (GRCh38, chr22:41,732,339, plus strand): 5'-CCTGAAGATGAACAACATAGAGCTGCACAAGCAGGGCCTGCTGCTTTTCGCTGAAATCCT[G>C]ACCCGGTGAGCAAAGTGGTGGAACATGAGGCTTGTAGGGGCCAGACTGCAGAAGGAAAAG-3'
Protein context (NP_689726.3, residues 387-407): KQGLLLFAEI[Leu397=]TRQPEEIKLF